The following is an entry in ClinVar:

NM_001243279.3(ACSF3):c.32G>T (p.Arg11Leu)

Gene: ACSF3 (acyl-CoA synthetase family member 3; plus strand). Cytogenetic location: 16q24.3.
Variant type: single nucleotide variant.
Coding change: c.32G>T on transcript NM_001243279.3 (MANE Select); coding-DNA position 32, G replaced by T.
Protein change: p.Arg11Leu; replaces arginine 11 with leucine.
Molecular consequence: missense variant. On other transcripts: non-coding transcript variant (3), intron variant (1).
Genome position (GRCh38, 1-based): chr16:89,100,713, G>T. VCF-style: chr16-89100713-G-T. GRCh37 (hg19) VCF-style: chr16-89167121-G-T.
Other names: c.32G>T, p.Arg11Leu (NM_001127214.4, NM_174917.5); c.-129-1891G>T (NM_001284316.2); short protein forms R11L.
Identifiers: ClinVar variation 1411950 (VCV001411950.5), dbSNP rs781163359, ClinGen allele CA8237523.

ClinVar aggregate classification (germline): Uncertain significance (1 of 4 stars; one submission).

Conditions:
Combined malonic and methylmalonic acidemia. Identifiers: Orphanet 289504, MedGen C3280314, MONDO:0013661, OMIM 614265.

Allele frequency attached by ClinVar (database versions not stated): gnomAD exomes below 0.00001; ExAC 0.00001.
gnomAD v4.1: 2 of 1,601,974 alleles (0.00012%); highest among the groups gnomAD compares: Middle Eastern, 0.017%; no homozygotes.

Submission:

Labcorp Genetics (formerly Invitae), Labcorp
Classification: Uncertain significance for Combined malonic and methylmalonic acidemia. Last evaluated: 2021-09-17. Review status: criteria provided, single submitter. Criteria: Invitae Variant Classification Sherloc (09022015). Collection method: clinical testing. Allele origin: germline.
Comment: This sequence change replaces arginine with leucine at codon 11 of the ACSF3 protein (p.Arg11Leu). The arginine residue is weakly conserved and there is a moderate physicochemical difference between arginine and leucine. This variant is present in population databases (rs781163359, ExAC 0.009%). This variant has not been reported in the literature in individuals with ACSF3-related conditions. Algorithms developed to predict the effect of missense changes on protein structure and function (SIFT, PolyPhen-2, Align-GVGD) all suggest that this variant is likely to be tolerated, but these predictions have not been confirmed by published functional studies and their clinical significance is uncertain. In summary, the available evidence is currently insufficient to determine the role of this variant in disease. Therefore, it has been classified as a Variant of Uncertain Significance.